The following is an entry in ClinVar:

ClinVar aggregate classification (germline): Uncertain significance (1 of 4 stars; one submission).

Conditions:
Hereditary cancer-predisposing syndrome. Also called: Neoplastic Syndromes, Hereditary; Tumor predisposition; Hereditary neoplastic syndrome; Hereditary Cancer Syndrome. Identifiers: Orphanet 140162, MedGen C0027672, MeSH D009386, MONDO:0015356.

Submission:

Ambry Genetics
Classification: Uncertain significance for Hereditary cancer-predisposing syndrome. Last evaluated: 2026-08-31. Review status: criteria provided, single submitter. Criteria: Ambry Variant Classification Scheme 2023. Collection method: clinical testing. Allele origin: germline.
Comment: The p.S512A variant (also known as c.1534T>G), located in coding exon 9 of the MEN1 gene, results from a T to G substitution at nucleotide position 1534. The serine at codon 512 is replaced by alanine, an amino acid with similar properties. This amino acid position is conserved. In addition, this alteration is predicted to be tolerated by in silico analysis. Based on the available evidence, the clinical significance of this variant remains unclear.

NM_001370259.2(MEN1):c.1534T>G (p.Ser512Ala)

Gene: MEN1 (menin 1; minus strand). Cytogenetic location: 11q13.1.
Variant type: single nucleotide variant.
Coding change: c.1534T>G on transcript NM_001370259.2 (MANE Select); coding-DNA position 1534, T replaced by G.
Protein change: p.Ser512Ala; replaces serine 512 with alanine.
Molecular consequence: missense variant. On other transcripts: non-coding transcript variant (4).
Genome position (GRCh38, 1-based): chr11:64,804,633, A>C on the plus strand (T>G on the coding strand, the complement: MEN1 is on the minus strand). VCF-style: chr11-64804633-A-C. GRCh37 (hg19) VCF-style: chr11-64572105-A-C.
Other names: c.1549T>G, p.Ser517Ala (NM_130803.3, NM_130804.3, NM_001407145.1 and 4 more transcripts); c.1534T>G, p.Ser512Ala (NM_001370261.2, NM_001407146.1, NM_001407147.1 and 2 more transcripts); c.1429T>G, p.Ser477Ala (NM_001370262.2, NM_001370263.2, NM_001407148.1 and 1 more transcripts); c.1660T>G, p.Ser554Ala (NM_001407142.1, NM_001407143.1, NM_001407144.1 and 1 more transcripts); c.1675T>G, p.Ser559Ala (NM_001407150.1); c.1555T>G, p.Ser519Ala (NM_001407151.1); c.1369T>G, p.Ser457Ala (NM_001407152.1); short protein forms S457A, S477A, S519A, S512A, S517A, S554A, S559A.
Identifiers: ClinVar variation 5024309 (VCV005024309.1).